The following is an entry in ClinVar:

ClinVar aggregate classification (germline): Uncertain significance (1 of 4 stars; one submission).

Submission:

GeneDx
Classification: Uncertain significance. Last evaluated: 2022-08-31. Review status: criteria provided, single submitter. Criteria: GeneDx Variant Classification Process June 2021. Collection method: clinical testing. Allele origin: germline. Affected: yes.
Comment: Not observed at significant frequency in large population cohorts (gnomAD); In silico analysis supports that this missense variant has a deleterious effect on protein structure/function; Has not been previously published as pathogenic or benign to our knowledge

NM_021224.6(ZNF462):c.6089G>T (p.Cys2030Phe)

Gene: ZNF462 (zinc finger protein 462; plus strand). Cytogenetic location: 9q31.2.
Variant type: single nucleotide variant.
Coding change: c.6089G>T on transcript NM_021224.6 (MANE Select); coding-DNA position 6089, G replaced by T.
Protein change: p.Cys2030Phe; replaces cysteine 2030 with phenylalanine.
Molecular consequence: missense variant.
Genome position (GRCh38, 1-based): chr9:106,932,522, G>T. VCF-style: chr9-106932522-G-T. GRCh37 (hg19) VCF-style: chr9-109694803-G-T.
Other names: c.3494G>T, p.Cys1165Phe (NM_001347997.2); short protein forms C1165F, C2030F.
Identifiers: ClinVar variation 2442409 (VCV002442409.1), dbSNP rs747047228, ClinGen allele CA374422875.